The following is an entry in ClinVar:

ClinVar aggregate classification (germline): Benign/Likely benign. Review status: criteria provided, multiple submitters, no conflicts (2 of 4 stars). 5 submissions from 5 submitters: Benign (2); Likely benign (3). Last evaluated 2026-02-01.

Conditions:
Progressive sclerosing poliodystrophy (MTDPS4A). Also called: Alpers Syndrome; Mitochondrial DNA depletion syndrome 4A (Alpers type); Alpers-Huttenlocher Syndrome (AHS); ALPERS PROGRESSIVE INFANTILE POLIODYSTROPHY; Mitochondrial DNA Depletion Syndrome 4A; NEURONAL DEGENERATION OF CHILDHOOD WITH LIVER DISEASE, PROGRESSIVE. Identifiers: Orphanet 726, MedGen C0205710, MONDO:0008758, OMIM 203700.

Allele frequency attached by ClinVar (database versions not stated): gnomAD 0.00043; TOPMed 0.00046; 1000 Genomes Project 30x 0.00047; 1000 Genomes Project 0.00060; gnomAD exomes 0.00061 and 0.00091; ExAC 0.00070; ESP Exome Variant Server 0.00085.

Submissions (5):

Labcorp Genetics (formerly Invitae), Labcorp
Classification: Likely benign for Progressive sclerosing poliodystrophy. Last evaluated: 2026-02-01. Review status: criteria provided, single submitter. Criteria: Invitae Variant Classification Sherloc (09022015). Collection method: clinical testing. Allele origin: germline.

Blueprint Genetics
Classification: Likely benign. Last evaluated: 2024-11-13. Review status: criteria provided, single submitter. Criteria: ACMG Guidelines, 2015. Collection method: clinical testing. Allele origin: germline.

Wong Mito Lab, Molecular and Human Genetics, Baylor College of Medicine
Classification: Benign for Progressive sclerosing poliodystrophy. Last evaluated: 2018-10-01. Review status: criteria provided, single submitter. Criteria: ACMG Guidelines, 2015. Collection method: clinical testing. Allele origin: germline.
Comment: The NM_002693.2:c.3274-19G>A (NP_002684.1:p.=) [GRCH38: NC_000015.10:g.89318768C>T] variant in POLG gene is interpretated to be a Benign based on ACMG guidelines (PMID: 25741868). This variant meets the following evidence codes reported in the ACMG-guideline. BS1:The minor allele frequency of this allele is high for Mitochondrial DNA depletion syndrome 4A (Alpers type). BS2:Observation of the variant in controls is inconsistent with penetrance of Mitochondrial DNA depletion syndrome 4A (Alpers type). BP4:Computational evidence/predictors indicate no impact on the POLG structure, function, or protein-protein interaction. Based on the evidence criteria codes applied, the variant is suggested to be Benign.

GeneDx
Classification: Benign. Last evaluated: 2013-02-06. Review status: criteria provided, single submitter. Criteria: GeneDx Variant Classification (06012015). Collection method: clinical testing. Allele origin: germline. Affected: yes.
Comment: This variant is considered likely benign or benign based on one or more of the following criteria: it is a conservative change, it occurs at a poorly conserved position in the protein, it is predicted to be benign by multiple in silico algorithms, and/or has population frequency not consistent with disease.

PreventionGenetics, part of Exact Sciences
Classification: Likely benign. Review status: criteria provided, single submitter. Criteria: ACMG Guidelines, 2015. Collection method: clinical testing. Allele origin: germline.

NM_002693.3(POLG):c.3274-19G>A

Gene: POLG (DNA polymerase gamma, catalytic subunit; minus strand). Cytogenetic location: 15q26.1.
Variant type: single nucleotide variant.
Coding change: c.3274-19G>A on transcript NM_002693.3 (MANE Select); 19 bases into the intron before coding-DNA position 3274, G replaced by A.
Molecular consequence: intron variant.
Genome position (GRCh38, 1-based): chr15:89,318,768, C>T on the plus strand (G>A on the coding strand, the complement: POLG is on the minus strand). VCF-style: chr15-89318768-C-T. GRCh37 (hg19) VCF-style: chr15-89861999-C-T.
Other names: c.3274-19G>A (NM_001126131.2).
Identifiers: ClinVar variation 138758 (VCV000138758.12), dbSNP rs116925016, ClinGen allele CA292842.